The following is an entry in ClinVar:

ClinVar aggregate classification (germline): Likely benign (1 of 4 stars; one submission).

Submission:

CeGaT Center for Human Genetics Tuebingen
Classification: Likely benign. Last evaluated: 2022-10-01. Review status: criteria provided, single submitter. Criteria: CeGaT Center For Human Genetics Tuebingen Variant Classification Criteria Version 2. Collection method: clinical testing. Allele origin: germline. Affected: yes. Observed: 1 variant allele.
Comment: BMAL1: PM2:Supporting, BP4, BP7

NM_001297719.2(BMAL1):c.1833T>C (p.Ala611=)

Gene: BMAL1 (basic helix-loop-helix ARNT like 1; plus strand). Cytogenetic location: 11p15.3.
Variant type: single nucleotide variant.
Coding change: c.1833T>C on transcript NM_001297719.2 (MANE Select); coding-DNA position 1833, T replaced by C.
Protein change: p.Ala611=; no amino-acid change (alanine 611 retained).
Molecular consequence: synonymous variant. On other transcripts: non-coding transcript variant (7).
Genome position (GRCh38, 1-based): chr11:13,386,708, T>C. VCF-style: chr11-13386708-T-C. GRCh37 (hg19) VCF-style: chr11-13408255-T-C.
Other names: c.1794T>C, p.Ala598= (NM_001351805.2); c.1791T>C, p.Ala597= (NM_001351806.2); c.1848T>C, p.Ala616= (NM_001351807.2, NM_001351814.2); c.1704T>C, p.Ala568= (NM_001351808.2, NM_001351816.2, NM_001351820.2 and 3 more transcripts); c.1782T>C, p.Ala594= (NM_001351809.2, NM_001351812.2); c.1479T>C, p.Ala493= (NM_001351810.2, NM_001351817.2); c.1083T>C, p.Ala361= (NM_001351811.2); c.1716T>C, p.Ala572= (NM_001351813.2); and 5 more.
Identifiers: ClinVar variation 2641617 (VCV002641617.24), dbSNP rs2499539975, ClinGen allele CA473149539.